The following is an entry in ClinVar:

ClinVar aggregate classification (germline): Uncertain significance (1 of 4 stars; one submission).

Allele frequency attached by ClinVar (database versions not stated): gnomAD exomes below 0.00001.
gnomAD v4.1: 1 of 1,596,270 alleles (0.000063%); highest among the groups gnomAD compares: Non-Finnish European, 0.000086%; no homozygotes.

Submission:

Ambry Genetics
Classification: Uncertain significance. Last evaluated: 2022-05-03. Review status: criteria provided, single submitter. Criteria: Ambry Variant Classification Scheme 2023. Collection method: clinical testing. Allele origin: germline.
Comment: The p.A141V variant (also known as c.422C>T), located in coding exon 3 of the IDH1 gene, results from a C to T substitution at nucleotide position 422. The alanine at codon 141 is replaced by valine, an amino acid with similar properties. This amino acid position is conserved. In addition, this alteration is predicted to be deleterious by in silico analysis. Since supporting evidence is limited at this time, the clinical significance of this alteration remains unclear.

NM_005896.4(IDH1):c.422C>T (p.Ala141Val)

Gene: IDH1 (isocitrate dehydrogenase (NADP(+)) 1; minus strand). Cytogenetic location: 2q34.
Variant type: single nucleotide variant.
Coding change: c.422C>T on transcript NM_005896.4 (MANE Select); coding-DNA position 422, C replaced by T.
Protein change: p.Ala141Val; replaces alanine 141 with valine.
Molecular consequence: missense variant.
Genome position (GRCh38, 1-based): chr2:208,245,417, G>A on the plus strand (C>T on the coding strand, the complement: IDH1 is on the minus strand). VCF-style: chr2-208245417-G-A. GRCh37 (hg19) VCF-style: chr2-209110141-G-A.
Other names: c.422C>T, p.Ala141Val (NM_001282386.1, NM_001282387.1); short protein forms A141V.
Identifiers: ClinVar variation 1738883 (VCV001738883.2), dbSNP rs2124857647, ClinGen allele CA350100489.